The following is an entry in ClinVar:

ClinVar aggregate classification (germline): Pathogenic (1 of 4 stars; one submission).

Submission:

Labcorp Genetics (formerly Invitae), Labcorp
Classification: Pathogenic. Last evaluated: 2019-03-05. Review status: criteria provided, single submitter. Criteria: Invitae Variant Classification Sherloc (09022015). Collection method: clinical testing. Allele origin: germline.
Comment: For these reasons, this variant has been classified as Pathogenic. Loss-of-function variants in EYS are known to be pathogenic (PMID: 18836446, 20333770). This variant has not been reported in the literature in individuals with EYS-related conditions. This variant is an out-of-frame deletion of the genomic region encompassing exons 11-12 of the EYS gene. This is expected to create a premature translational stop signal and result in an absent or disrupted protein product.

Literature cited by the submitters: PubMed 18836446; PubMed 20333770.

NC_000006.12:g.(?_65295853)_(65335156_?)del

Gene: EYS (eyes shut homolog; minus strand). Cytogenetic location: 6q12.
Variant type: Deletion.
Identifiers: ClinVar variation 832140 (VCV000832140.5).